The following is an entry in ClinVar:

ClinVar aggregate classification (germline): Conflicting classifications of pathogenicity. Review status: criteria provided, conflicting classifications (1 of 4 stars). 2 submissions from 2 submitters: Uncertain significance (1); Likely benign (1). Last evaluated 2024-09-18.

Allele frequency attached by ClinVar (database versions not stated): gnomAD exomes below 0.00001.
gnomAD v4.1: 2 of 1,613,546 alleles (0.00012%); highest among the groups gnomAD compares: Non-Finnish European, 0.00017%; no homozygotes.

Submissions (2):

Labcorp Genetics (formerly Invitae), Labcorp
Classification: Uncertain significance. Last evaluated: 2024-09-18. Review status: criteria provided, single submitter. Criteria: Invitae Variant Classification Sherloc (09022015). Collection method: clinical testing. Allele origin: germline.
Comment: This sequence change replaces tyrosine, which is neutral and polar, with cysteine, which is neutral and slightly polar, at codon 219 of the DFNA5 protein (p.Tyr219Cys). This variant is not present in population databases (gnomAD no frequency). This variant has not been reported in the literature in individuals affected with DFNA5-related conditions. ClinVar contains an entry for this variant (Variation ID: 504951). Invitae Evidence Modeling of protein sequence and biophysical properties (such as structural, functional, and spatial information, amino acid conservation, physicochemical variation, residue mobility, and thermodynamic stability) indicates that this missense variant is not expected to disrupt DFNA5 protein function with a negative predictive value of 80%. In summary, the available evidence is currently insufficient to determine the role of this variant in disease. Therefore, it has been classified as a Variant of Uncertain Significance.

Laboratory for Molecular Medicine, Mass General Brigham Personalized Medicine
Classification: Likely benign. Last evaluated: 2016-05-02. Review status: criteria provided, single submitter. Criteria: LMM Criteria. Collection method: clinical testing. Allele origin: germline. Observed: 1 variant allele.
Comment: p.Tyr219Cys in exon 5 of DFNA5: This variant is not expected to have clinical si gnificance due to a lack of conservation across species, including mammals. Of n ote, 5 mammals have a cysteine (Cys) at this position despite high nearby amino acid conservation.

NM_001127453.2(GSDME):c.656A>G (p.Tyr219Cys)

Gene: GSDME (gasdermin E; minus strand). Cytogenetic location: 7p15.3.
Variant type: single nucleotide variant.
Coding change: c.656A>G on transcript NM_001127453.2 (MANE Select); coding-DNA position 656, A replaced by G.
Protein change: p.Tyr219Cys; replaces tyrosine 219 with cysteine.
Molecular consequence: missense variant.
Genome position (GRCh38, 1-based): chr7:24,717,295, T>C on the plus strand (A>G on the coding strand, the complement: GSDME is on the minus strand). VCF-style: chr7-24717295-T-C. GRCh37 (hg19) VCF-style: chr7-24756914-T-C.
Other names: c.164A>G, p.Tyr55Cys (NM_001127454.2); c.656A>G, p.Tyr219Cys (NM_004403.3); short protein forms Y219C, Y55C.
Identifiers: ClinVar variation 504951 (VCV000504951.6), dbSNP rs1554325967, ClinGen allele CA367047954.
Genomic context (GRCh38, chr7:24,717,295, plus strand): 5'-CATAGGAGGTGGCACTCACCGAACTGGCCGTCCAGTTTCACGTATAACTCAATGACACCG[T>C]AGGCAATGGTGGTGGCAGCTGGGATCTCCAGCACCACGTTGGAGTCCTTGGTGACATTCC-3'
Protein context (NP_001120925.1, residues 209-229): LEIPAATTIA[Tyr219Cys]GVIELYVKLD